The following is an entry in ClinVar:

ClinVar aggregate classification (germline): Benign. Review status: criteria provided, multiple submitters, no conflicts (2 of 4 stars). 3 submissions from 3 submitters: Benign (3). Last evaluated 2026-01-21.

Submissions (3):

Women's Health and Genetics/Laboratory Corporation of America, LabCorp
Classification: Benign. Last evaluated: 2026-01-21. Review status: criteria provided, single submitter. Criteria: LabCorp Variant Classification Summary - May 2015. Collection method: clinical testing. Allele origin: germline.

Unidad de Genómica Garrahan, Hospital de Pediatría Garrahan
Classification: Benign. Last evaluated: 2024-01-24. Review status: criteria provided, single submitter. Criteria: ACMG Guidelines, 2015. Collection method: clinical testing. Allele origin: germline. Affected: no. Observed: 78 variant alleles.
Comment: This variant is classified as Benign based on local population frequency. This variant was detected in 89% of patients studied by a panel of primary immunodeficiencies. Number of patients: 78. Only high quality variants are reported.

GeneDx
Classification: Benign. Last evaluated: 2018-06-19. Review status: criteria provided, single submitter. Criteria: GeneDx Variant Classification (06012015). Collection method: clinical testing. Allele origin: germline. Affected: yes.
Comment: This variant is considered likely benign or benign based on one or more of the following criteria: it is a conservative change, it occurs at a poorly conserved position in the protein, it is predicted to be benign by multiple in silico algorithms, and/or has population frequency not consistent with disease.

NM_006846.4(SPINK5):c.2667-14dup

Gene: SPINK5 (serine peptidase inhibitor Kazal type 5; plus strand). Cytogenetic location: 5q32.
Variant type: Duplication.
Coding change: c.2667-14dup on transcript NM_006846.4 (MANE Select); 14 bases into the intron before coding-DNA position 2667, one base duplicated (T; older notation c.2667-14dupT).
Molecular consequence: intron variant.
Genome position (GRCh38, 1-based): chr5:148,124,751, T duplicated; the last of 9 consecutive T bases (chr5:148,124,743-148,124,751); duplicating any one gives the same sequence. VCF-style (leftmost placement, unchanged base first): chr5-148124742-C-CT. GRCh37 (hg19) VCF-style: chr5-147504305-C-CT.
Other names: c.2667-14dup (NM_001127698.2, NM_001127699.2); c.2667-14dupT (NM_001127698.2); c.2667-23_2667-22insT (NM_006846.3).
Identifiers: ClinVar variation 673298 (VCV000673298.4), dbSNP rs3036731, ClinGen allele CA3496065.